The following is an entry in ClinVar:

ClinVar aggregate classification (germline): Pathogenic (1 of 4 stars; one submission).

Conditions:
Spastic ataxia 2. Also called: Ataxia, spastic, 2, autosomal recessive. Identifiers: Orphanet 397946, MedGen C1969796, MONDO:0012651, OMIM 611302.

Submission:

Labcorp Genetics (formerly Invitae), Labcorp
Classification: Pathogenic for Spastic ataxia 2. Last evaluated: 2020-04-30. Review status: criteria provided, single submitter. Criteria: Invitae Variant Classification Sherloc (09022015). Collection method: clinical testing. Allele origin: germline.
Comment: For these reasons, this variant has been classified as Pathogenic. Loss-of-function variants in KIF1C are known to be pathogenic (PMID: 24482476, 24319291). This variant has not been reported in the literature in individuals with KIF1C-related conditions. This variant is not present in population databases (ExAC no frequency). This sequence change creates a premature translational stop signal (p.Lys243Profs*24) in the KIF1C gene. It is expected to result in an absent or disrupted protein product.

Literature cited by the submitters: PubMed 24482476; PubMed 24319291.

NM_006612.6(KIF1C):c.726_727insCC (p.Lys243fs)

Genes: KIF1C (kinesin family member 1C; plus strand), LOC126862472 (CDK7 strongly-dependent group 2 enhancer GRCh37_chr17:4906716-4907915; plus strand). Cytogenetic location: 17p13.2.
Variant type: Insertion.
Coding change: c.726_727insCC on transcript NM_006612.6 (MANE Select); coding-DNA positions 726 to 727, CC inserted.
Protein change: p.Lys243fs; shifts the reading frame from lysine 243.
Molecular consequence: frameshift variant.
Genome position: GRCh38 VCF-style: chr17-5003617-T-TCC. GRCh37 (hg19) VCF-style: chr17-4906912-T-TCC.
Other names: short protein forms K243fs.
Identifiers: ClinVar variation 1075456 (VCV001075456.7), dbSNP rs2143317762, ClinGen allele CA2499224702.